The following is an entry in ClinVar:

NM_001330588.2(TPP2):c.1094C>G (p.Pro365Arg)

Gene: TPP2 (tripeptidyl peptidase 2; plus strand). Cytogenetic location: 13q33.1.
Variant type: single nucleotide variant.
Coding change: c.1094C>G on transcript NM_001330588.2 (MANE Select); coding-DNA position 1094, C replaced by G.
Protein change: p.Pro365Arg; replaces proline 365 with arginine.
Molecular consequence: missense variant. On other transcripts: non-coding transcript variant (1).
Genome position (GRCh38, 1-based): chr13:102,629,559, C>G. VCF-style: chr13-102629559-C-G. GRCh37 (hg19) VCF-style: chr13-103281909-C-G.
Other names: c.1094C>G, p.Pro365Arg (LRG_1341t1, NM_001367947.1, NM_003291.4); short protein forms P365R.
Identifiers: ClinVar variation 574638 (VCV000574638.8), dbSNP rs1566338577, ClinGen allele CA388481870.

ClinVar aggregate classification (germline): Uncertain significance (1 of 4 stars; one submission).

Conditions:
Evans syndrome, immunodeficiency, and premature immunosenescence associated with tripeptidyl-peptidase II deficiency. Identifiers: MedGen CN231723. Disease mechanism: loss of function.

Submission:

Labcorp Genetics (formerly Invitae), Labcorp
Classification: Uncertain significance for Evans syndrome, immunodeficiency, and premature immunosenescence associated with tripeptidyl-peptidase II deficiency. Last evaluated: 2025-11-03. Review status: criteria provided, single submitter. Criteria: Invitae Variant Classification Sherloc (09022015). Collection method: clinical testing. Allele origin: germline.
Comment: This sequence change replaces proline, which is neutral and non-polar, with arginine, which is basic and polar, at codon 365 of the TPP2 protein (p.Pro365Arg). This variant is not present in population databases (gnomAD no frequency). This variant has not been reported in the literature in individuals affected with TPP2-related conditions. ClinVar contains an entry for this variant (Variation ID: 574638). An algorithm developed to predict the effect of missense changes on protein structure and function (PolyPhen-2) suggests that this variant is likely to be disruptive. In summary, the available evidence is currently insufficient to determine the role of this variant in disease. Therefore, it has been classified as a Variant of Uncertain Significance.